The following is an entry in ClinVar:

NM_001372044.2(SHANK3):c.290+5G>T

Gene: SHANK3 (SH3 and multiple ankyrin repeat domains 3; plus strand). Cytogenetic location: 22q13.33.
Variant type: single nucleotide variant.
Coding change: c.290+5G>T on transcript NM_001372044.2 (MANE Select); 5 bases into the intron after coding-DNA position 290, G replaced by T.
Molecular consequence: intron variant.
Genome position (GRCh38, 1-based): chr22:50,674,709, G>T. VCF-style: chr22-50674709-G-T. GRCh37 (hg19) VCF-style: chr22-51113137-G-T.
Identifiers: ClinVar variation 3774001 (VCV003774001.1).

ClinVar aggregate classification (germline): Uncertain significance (1 of 4 stars; one submission).

Submission:

GeneDx
Classification: Uncertain significance. Last evaluated: 2024-09-20. Review status: criteria provided, single submitter. Criteria: GeneDx Variant Classification Process June 2021. Collection method: clinical testing. Allele origin: germline. Affected: yes.
Comment: Intronic +5 splice site variant in a gene for which loss of function is a known mechanism of disease, and both splice predictors and evolutionary conservation support a deleterious effect, although in the absence of functional evidence the actual effect of this sequence change is unknown.; Not observed at significant frequency in large population cohorts (gnomAD); Has not been previously published as pathogenic or benign to our knowledge